The following is an entry in ClinVar:

NM_000198.4(HSD3B2):c.169dup (p.Val57fs)

Gene: HSD3B2 (hydroxy-delta-5-steroid dehydrogenase, 3 beta- and steroid delta-isomerase 2; plus strand). Cytogenetic location: 1p12.
Variant type: Duplication.
Coding change: c.169dup on transcript NM_000198.4 (MANE Select); coding-DNA position 169, one base duplicated (G; older notation c.169dupG).
Protein change: p.Val57fs; shifts the reading frame from valine 57.
Molecular consequence: frameshift variant.
Genome position (GRCh38, 1-based): chr1:119,419,444, G duplicated. VCF-style (leftmost placement, unchanged base first): chr1-119419443-T-TG. GRCh37 (hg19) VCF-style: chr1-119962066-T-TG.
Other names: c.169dup, p.Val57fs (NM_001166120.2); short protein forms V57fs.
Identifiers: ClinVar variation 4817895 (VCV004817895.1).

ClinVar aggregate classification (germline): Likely pathogenic (1 of 4 stars; one submission).

Conditions:
3 beta-Hydroxysteroid dehydrogenase deficiency. Also called: 3b-hydroxysteroid dehydrogenase deficiency; ADRENAL HYPERPLASIA, CONGENITAL, DUE TO 3-BETA-HYDROXYSTEROID DEHYDROGENASE 2 DEFICIENCY; Congenital adrenal hyperplasia due to 3-beta-hydroxysteroid dehydrogenase deficiency; 3-BETA-HSD DEFICIENCY; ADRENAL HYPERPLASIA II. Identifiers: Orphanet 90791, MedGen C0342471, MeSH C538236, MONDO:0008727, OMIM 201810. Disease mechanism: loss of function.

Submission:

Natera, Inc.
Classification: Likely pathogenic for 3 beta hydroxysteroid dehydrogenase deficiency. Last evaluated: 2024-08-13. Review status: criteria provided, single submitter. Criteria: Natera Variant Classification Schema (03/2026). Collection method: clinical testing. Allele origin: germline.
Comment: The c.169dup variant in HSD3B2 is a frameshift variant predicted to shift the reading frame beginning at codon 57 and leads to a stop codon 3 codons downstream. This variant is expected to result in nonsense mediated decay, truncation, or a dysfunctional protein product. This variant is rare in the general population with a frequency below the threshold expected for the associated phenotype(s). Given the available evidence, this variant is classified as Likely Pathogenic.